The following is an entry in ClinVar:

ClinVar aggregate classification (germline): Conflicting classifications of pathogenicity. Review status: criteria provided, conflicting classifications (1 of 4 stars). 3 submissions from 3 submitters: Likely pathogenic (1); Uncertain significance (2). Last evaluated 2024-02-27.

Allele frequency attached by ClinVar (database versions not stated): gnomAD exomes below 0.00001.

Submissions (3):

Labcorp Genetics (formerly Invitae), Labcorp
Classification: Likely pathogenic. Last evaluated: 2024-02-27. Review status: criteria provided, single submitter. Criteria: Invitae Variant Classification Sherloc (09022015). Collection method: clinical testing. Allele origin: germline.
Comment: This sequence change falls in intron 35 of the ADGRV1 gene. It does not directly change the encoded amino acid sequence of the ADGRV1 protein. It affects a nucleotide within the consensus splice site. The frequency data for this variant in the population databases is considered unreliable, as metrics indicate poor data quality at this position in the gnomAD database. This variant has been observed in individual(s) with ADGRV1-related conditions (Invitae). In at least one individual the data is consistent with being in trans (on the opposite chromosome) from a pathogenic variant. ClinVar contains an entry for this variant (Variation ID: 1319027). Variants that disrupt the consensus splice site are a relatively common cause of aberrant splicing (PMID: 17576681, 9536098). Algorithms developed to predict the effect of sequence changes on RNA splicing suggest that this variant may disrupt the consensus splice site. In summary, the currently available evidence indicates that the variant is pathogenic, but additional data are needed to prove that conclusively. Therefore, this variant has been classified as Likely Pathogenic.

GeneDx
Classification: Uncertain significance. Last evaluated: 2019-04-25. Review status: criteria provided, single submitter. Criteria: GeneDx Variant Classification Process June 2021. Collection method: clinical testing. Allele origin: germline. Affected: yes.
Comment: Not observed at a significant frequency in large population cohorts (Lek et al., 2016); In-silico analysis, which includes splice predictors and evolutionary conservation, indicates that the variant damages the canonical splice donor site of intron 35. In the absence of RNA/functional studies, the actual effect of this sequence change is unknown.; Has not been previously published as pathogenic or benign to our knowledge

Blueprint Genetics
Classification: Uncertain significance. Last evaluated: 2019-01-24. Review status: criteria provided, single submitter. Criteria: ACMG Guidelines, 2015. Collection method: clinical testing. Allele origin: germline.

Literature cited by the submitters: PubMed 17576681 (cited by Labcorp Genetics (formerly Invitae), Labcorp); PubMed 9536098 (cited by Labcorp Genetics (formerly Invitae), Labcorp).

NM_032119.4(ADGRV1):c.8286+4A>G

Gene: ADGRV1 (adhesion G protein-coupled receptor V1; plus strand). Cytogenetic location: 5q14.3.
Variant type: single nucleotide variant.
Coding change: c.8286+4A>G on transcript NM_032119.4 (MANE Select); 4 bases into the intron after coding-DNA position 8286, A replaced by G.
Molecular consequence: intron variant.
Genome position (GRCh38, 1-based): chr5:90,703,799, A>G. VCF-style: chr5-90703799-A-G. GRCh37 (hg19) VCF-style: chr5-89999616-A-G.
Identifiers: ClinVar variation 1319027 (VCV001319027.10), dbSNP rs1343614760, ClinGen allele CA560899309.